The following is an entry in ClinVar:

ClinVar aggregate classification (germline): Likely benign. Review status: criteria provided, multiple submitters, no conflicts (2 of 4 stars). 3 submissions from 3 submitters: Likely benign (3). Last evaluated 2025-06-01.

Conditions:
Inborn genetic diseases. Identifiers: MedGen C0950123, MeSH D030342.

Allele frequency attached by ClinVar (database versions not stated): 1000 Genomes Project 30x 0.00031; ExAC 0.00032; 1000 Genomes Project 0.00040.
gnomAD v4.1: 137 of 1,542,742 alleles (0.0089%); highest among the groups gnomAD compares: East Asian, 0.043%; 1 homozygote.

Submissions (3):

CeGaT Center for Human Genetics Tuebingen
Classification: Likely benign. Last evaluated: 2025-06-01. Review status: criteria provided, single submitter. Criteria: CeGaT Center For Human Genetics Tuebingen Variant Classification Criteria Version 2. Collection method: clinical testing. Allele origin: germline. Affected: yes. Observed: 2 variant alleles.
Comment: ATP6V1B2: BS2

Laboratory of Genetics, Children's Clinical University Hospital Latvia
Classification: Likely benign. Last evaluated: 2025-02-16. Review status: criteria provided, single submitter. Criteria: ACMG Guidelines, 2015. Collection method: clinical testing. Allele origin: germline. Affected: yes.

Ambry Genetics
Classification: Likely benign for Inborn genetic diseases. Last evaluated: 2023-02-15. Review status: criteria provided, single submitter. Criteria: Ambry Variant Classification Scheme 2023. Collection method: clinical testing. Allele origin: germline.

NM_001693.4(ATP6V1B2):c.7C>A (p.Leu3Met)

Genes: ATP6V1B2 (ATPase H+ transporting V1 subunit B2; plus strand), LOC129999955 (ATAC-STARR-seq lymphoblastoid silent region 18971; plus strand). Cytogenetic location: 8p21.3.
Variant type: single nucleotide variant.
Coding change: c.7C>A on transcript NM_001693.4 (MANE Select); coding-DNA position 7, C replaced by A.
Protein change: p.Leu3Met; replaces leucine 3 with methionine.
Molecular consequence: missense variant.
Genome position (GRCh38, 1-based): chr8:20,197,413, C>A. VCF-style: chr8-20197413-C-A. GRCh37 (hg19) VCF-style: chr8-20054924-C-A.
Other names: short protein forms L3M.
Identifiers: ClinVar variation 2467002 (VCV002467002.24), dbSNP rs201057159, ClinGen allele CA4656658.
Genomic context (GRCh38, chr8:20,197,413, plus strand): 5'-ATATCTGCGCGTGCGCGGCGTCGCTGCTGGGCCAGTCGGGACAGAGGAGACAAGATGGCG[C>A]TGCGGGCGATGCGGGGGATTGTCAACGGGGCCGCACCCGAGCTACCCGTGCCCACCGGTG-3'
Protein context (NP_001684.2, residues 1-13): MA[Leu3Met]RAMRGIVNGA